The following is an entry in ClinVar:

ClinVar aggregate classification (germline): Uncertain significance (1 of 4 stars; one submission).

Submission:

Athena Diagnostics
Classification: Uncertain significance. Last evaluated: 2024-05-07. Review status: criteria provided, single submitter. Criteria: Athena Diagnostics Criteria. Collection method: clinical testing. Allele origin: unknown.
Comment: Available data are insufficient to determine the clinical significance of the variant at this time. This variant has not been reported in large, multi-ethnic general populations. Polyphen and MutationTaster predict this amino acid change may be benign.

NM_001267550.2(TTN):c.74321C>A (p.Thr24774Lys)

Genes: TTN (titin; minus strand), TTN-AS1 (TTN antisense RNA 1; plus strand). Cytogenetic location: 2q31.2.
Variant type: single nucleotide variant.
Coding change: c.74321C>A on transcript NM_001267550.2 (MANE Select); coding-DNA position 74321, C replaced by A.
Protein change: p.Thr24774Lys; replaces threonine 24774 with lysine.
Molecular consequence: missense variant.
Genome position (GRCh38, 1-based): chr2:178,571,811, G>T on the plus strand (C>A on the coding strand, the complement: TTN is on the minus strand). VCF-style: chr2-178571811-G-T. GRCh37 (hg19) VCF-style: chr2-179436538-G-T.
Other names: c.69398C>A, p.Thr23133Lys (NM_001256850.1); c.47126C>A, p.Thr15709Lys (NM_003319.4); c.66617C>A, p.Thr22206Lys (NM_133378.4); c.47501C>A, p.Thr15834Lys (NM_133432.3); c.47702C>A, p.Thr15901Lys (NM_133437.4); short protein forms T22206K, T15709K, T15901K, T23133K, T15834K, T24774K.
Identifiers: ClinVar variation 3571701 (VCV003571701.1).
Genomic context (GRCh38, chr2:178,571,811, plus strand): 5'-GCTGAGTTAGTCAGTTTAACCACATAATGGCCAACATCTTCTCGGCAGGCGTCCTTTATT[G>T]TCAGTAGTGAATTATTTTCTGTGCTCTCTGCATTTACTCTAGTTGTCTGCTTCAGTGGTA-3'
Protein context (NP_001254479.2, residues 24764-24784): AESTENNSLL[Thr24774Lys]IKDACREDVG